The following is an entry in ClinVar:

NM_021005.4(NR2F2):c.604C>T (p.Gln202Ter)

Gene: NR2F2 (nuclear receptor subfamily 2 group F member 2; plus strand). Cytogenetic location: 15q26.2.
Variant type: single nucleotide variant.
Coding change: c.604C>T on transcript NM_021005.4 (MANE Select); coding-DNA position 604, C replaced by T.
Protein change: p.Gln202Ter; replaces glutamine 202 with a stop codon.
Molecular consequence: nonsense.
Genome position (GRCh38, 1-based): chr15:96,334,237, C>T. VCF-style: chr15-96334237-C-T. GRCh37 (hg19) VCF-style: chr15-96877466-C-T.
Other names: c.205C>T, p.Gln69Ter (NM_001145155.2); c.145C>T, p.Gln49Ter (NM_001145156.1, NM_001145157.2); short protein forms Q69*, Q202*, Q49*.
Identifiers: ClinVar variation 1452069 (VCV001452069.6), dbSNP rs2141169116, ClinGen allele CA393930761.
Genomic context (GRCh38, chr15:96,334,237, plus strand): 5'-ATTTCCCTGCTGTTGCGCGCGGAGCCCTATCCCACGTCGCGCTTCGGCAGCCAATGCATG[C>T]AGCCCAACAACATCATGGGTATCGAGAACATTTGCGAACTGGCCGCGAGGATGCTCTTCA-3'

ClinVar aggregate classification (germline): Pathogenic (1 of 4 stars; one submission).

Conditions:
Congenital heart defects, multiple types, 4 (CHTD4). Identifiers: MedGen C4014310, MONDO:0014344, OMIM 615779.

Submission:

Labcorp Genetics (formerly Invitae), Labcorp
Classification: Pathogenic for Congenital heart defects, multiple types, 4. Last evaluated: 2020-12-03. Review status: criteria provided, single submitter. Criteria: Invitae Variant Classification Sherloc (09022015). Collection method: clinical testing. Allele origin: germline.
Comment: For these reasons, this variant has been classified as Pathogenic. This variant has not been reported in the literature in individuals with NR2F2-related conditions. This variant is not present in population databases (ExAC no frequency). This sequence change creates a premature translational stop signal (p.Gln202*) in the NR2F2 gene. It is expected to result in an absent or disrupted protein product. Loss-of-function variants in NR2F2 are known to be pathogenic (PMID: 10215630, 24702954).

Literature cited by the submitters: PubMed 10215630; PubMed 24702954.